The following is an entry in ClinVar:

ClinVar aggregate classification (germline): Uncertain significance. Review status: criteria provided, multiple submitters, no conflicts (2 of 4 stars). 2 submissions from 2 submitters: Uncertain significance (2). Last evaluated 2024-03-15.

Submissions (2):

Blueprint Genetics
Classification: Uncertain significance. Last evaluated: 2024-03-15. Review status: criteria provided, single submitter. Criteria: ACMG Guidelines, 2015. Collection method: clinical testing. Allele origin: germline.

Labcorp Genetics (formerly Invitae), Labcorp
Classification: Uncertain significance. Last evaluated: 2022-08-07. Review status: criteria provided, single submitter. Criteria: Invitae Variant Classification Sherloc (09022015). Collection method: clinical testing. Allele origin: germline.
Comment: This variant, c.5203_5205del, results in the deletion of 1 amino acid(s) of the CEP250 protein (p.Glu1735del), but otherwise preserves the integrity of the reading frame. This variant is present in population databases (rs781105474, gnomAD 0.01%). This variant has not been reported in the literature in individuals affected with CEP250-related conditions. ClinVar contains an entry for this variant (Variation ID: 1462082). Experimental studies and prediction algorithms are not available or were not evaluated, and the functional significance of this variant is currently unknown. In summary, the available evidence is currently insufficient to determine the role of this variant in disease. Therefore, it has been classified as a Variant of Uncertain Significance.

NM_007186.6(CEP250):c.5203_5205del (p.Glu1735del)

Gene: CEP250 (centrosomal protein 250; plus strand). Cytogenetic location: 20q11.22.
Variant type: Deletion.
Coding change: c.5203_5205del on transcript NM_007186.6 (MANE Select); coding-DNA positions 5203 to 5205, 3 bases deleted (GAG; older notation c.5203_5205delGAG).
Protein change: p.Glu1735del; deletes glutamic acid 1735.
Molecular consequence: inframe deletion.
Genome position (GRCh38, 1-based): chr20:35,503,572-35,503,574, GAG deleted; deleting any 3 consecutive bases within chr20:35,503,570-35,503,574 gives the same sequence; the c. name uses the placement nearest the transcript's 3' end. VCF-style (leftmost placement, unchanged base first): chr20-35503569-AAGG-A. GRCh37 (hg19) VCF-style: chr20-34091397-AAGG-A.
Other names: c.3307_3309del, p.Glu1103del (NM_001318219.1); short protein forms E1103del, E1735del.
Identifiers: ClinVar variation 1462082 (VCV001462082.4), dbSNP rs781105474, ClinGen allele CA9833847.